The following is an entry in ClinVar:

ClinVar aggregate classification (germline): Uncertain significance (1 of 4 stars; one submission).

Submission:

Labcorp Genetics (formerly Invitae), Labcorp
Classification: Uncertain significance. Last evaluated: 2022-04-15. Review status: criteria provided, single submitter. Criteria: Invitae Variant Classification Sherloc (09022015). Collection method: clinical testing. Allele origin: germline.
Comment: This variant, c.1538_1540del, results in the deletion of 1 amino acid(s) of the SZT2 protein (p.Phe513del), but otherwise preserves the integrity of the reading frame. This variant is present in population databases (no rsID available, gnomAD 0.01%). In summary, the available evidence is currently insufficient to determine the role of this variant in disease. Therefore, it has been classified as a Variant of Uncertain Significance. Experimental studies and prediction algorithms are not available or were not evaluated, and the functional significance of this variant is currently unknown. This variant has not been reported in the literature in individuals affected with SZT2-related conditions.

NM_001365999.1(SZT2):c.1538_1540del (p.Phe513del)

Gene: SZT2 (SZT2 subunit of KICSTOR complex; plus strand). Cytogenetic location: 1p34.2.
Variant type: Deletion.
Coding change: c.1538_1540del on transcript NM_001365999.1 (MANE Select); coding-DNA positions 1538 to 1540, 3 bases deleted (TCT; older notation c.1538_1540delTCT).
Protein change: p.Phe513del; deletes phenylalanine 513.
Molecular consequence: inframe deletion.
Genome position (GRCh38, 1-based): chr1:43,421,215-43,421,217, TCT deleted; deleting any 3 consecutive bases within chr1:43,421,213-43,421,217 gives the same sequence; the c. name uses the placement nearest the transcript's 3' end. VCF-style (leftmost placement, unchanged base first): chr1-43421212-CCTT-C. GRCh37 (hg19) VCF-style: chr1-43886883-CCTT-C.
Other names: c.1538_1540del, p.Phe513del (NM_015284.4); short protein forms F513del.
Identifiers: ClinVar variation 2413686 (VCV002413686.4), dbSNP rs1001613938, ClinGen allele CA21629328.